The following is an entry in ClinVar:

ClinVar aggregate classification (germline): Uncertain significance (1 of 4 stars; one submission).

Conditions:
Joubert syndrome. Also called: JOUBERT-BOLTSHAUSER SYNDROME; Familial aplasia of the vermis. Identifiers: Orphanet 475, MedGen C5979921, MONDO:0018772.
Meckel-Gruber syndrome. Also called: DYSENCEPHALIA SPLANCHNOCYSTICA; GRUBER SYNDROME; Dysencephalia splachnocystica. Identifiers: Orphanet 564, MedGen C0265215, MONDO:0018921.

Allele frequency attached by ClinVar (database versions not stated): TOPMed 0.00001.

Submission:

Labcorp Genetics (formerly Invitae), Labcorp
Classification: Uncertain significance for Joubert syndrome; Meckel-Gruber syndrome. Last evaluated: 2022-03-18. Review status: criteria provided, single submitter. Criteria: Invitae Variant Classification Sherloc (09022015). Collection method: clinical testing. Allele origin: germline.
Comment: This sequence change replaces histidine, which is basic and polar, with asparagine, which is neutral and polar, at codon 1416 of the CC2D2A protein (p.His1416Asn). This variant is not present in population databases (gnomAD no frequency). This variant has not been reported in the literature in individuals affected with CC2D2A-related conditions. Algorithms developed to predict the effect of missense changes on protein structure and function (SIFT, PolyPhen-2, Align-GVGD) all suggest that this variant is likely to be tolerated. In summary, the available evidence is currently insufficient to determine the role of this variant in disease. Therefore, it has been classified as a Variant of Uncertain Significance.

NM_001378615.1(CC2D2A):c.4246C>A (p.His1416Asn)

Genes: CC2D2A (coiled-coil and C2 domain containing 2A; plus strand), FBXL5 (F-box and leucine rich repeat protein 5; minus strand). Cytogenetic location: 4p15.32.
Variant type: single nucleotide variant.
Coding change: c.4246C>A on transcript NM_001378615.1 (MANE Select); coding-DNA position 4246, C replaced by A.
Protein change: p.His1416Asn; replaces histidine 1416 with asparagine.
Molecular consequence: missense variant.
Genome position (GRCh38, 1-based): chr4:15,589,611, C>A. VCF-style: chr4-15589611-C-A. GRCh37 (hg19) VCF-style: chr4-15591234-C-A.
Other names: c.4246C>A, p.His1416Asn (NM_001080522.2); c.4099C>A, p.His1367Asn (NM_001378617.1); short protein forms H1367N, H1416N.
Identifiers: ClinVar variation 2153826 (VCV002153826.1), dbSNP rs772711096, ClinGen allele CA356429741.